The following is an entry in ClinVar:

ClinVar aggregate classification (germline): Uncertain significance (1 of 4 stars; one submission).

Conditions:
Menkes kinky-hair syndrome (MNK). Also called: Menkes Disease; Copper transport disease; Classic Menkes Disease. Identifiers: Orphanet 565, MedGen C0022716, MONDO:0010651, OMIM 309400.
Cutis laxa, X-linked (OHS). Also called: EDS IX; Occipital horn syndrome. Identifiers: Orphanet 198, MedGen C0268353, MONDO:0010572, OMIM 304150.
X-linked distal spinal muscular atrophy type 3. Also called: ATP7A-Related Distal Motor Neuropathy; SPINAL MUSCULAR ATROPHY, DISTAL, X-LINKED RECESSIVE; NEURONOPATHY, DISTAL HEREDITARY MOTOR, X-LINKED; NEUROPATHY, DISTAL HEREDITARY MOTOR, X-LINKED. Identifiers: Orphanet 139557, MedGen C1845359, MONDO:0010338, OMIM 300489.

Submission:

Labcorp Genetics (formerly Invitae), Labcorp
Classification: Uncertain significance for X-linked distal spinal muscular atrophy type 3; Cutis laxa, X-linked; Menkes kinky-hair syndrome. Last evaluated: 2025-04-13. Review status: criteria provided, single submitter. Criteria: Invitae Variant Classification Sherloc (09022015). Collection method: clinical testing. Allele origin: germline.
Comment: This sequence change replaces isoleucine, which is neutral and non-polar, with threonine, which is neutral and polar, at codon 283 of the ATP7A protein (p.Ile283Thr). This variant is not present in population databases (gnomAD no frequency). This variant has not been reported in the literature in individuals affected with ATP7A-related conditions. Invitae Evidence Modeling of protein sequence and biophysical properties (such as structural, functional, and spatial information, amino acid conservation, physicochemical variation, residue mobility, and thermodynamic stability) indicates that this missense variant is not expected to disrupt ATP7A protein function with a negative predictive value of 95%. In summary, the available evidence is currently insufficient to determine the role of this variant in disease. Therefore, it has been classified as a Variant of Uncertain Significance.

NM_000052.7(ATP7A):c.848T>C (p.Ile283Thr)

Gene: ATP7A (ATPase copper transporting alpha; plus strand). Cytogenetic location: Xq21.1.
Variant type: single nucleotide variant.
Coding change: c.848T>C on transcript NM_000052.7 (MANE Select); coding-DNA position 848, T replaced by C.
Protein change: p.Ile283Thr; replaces isoleucine 283 with threonine.
Molecular consequence: missense variant.
Genome position (GRCh38, 1-based): chrX:77,989,470, T>C. VCF-style: chrX-77989470-T-C. GRCh37 (hg19) VCF-style: chrX-77244966-T-C.
Other names: c.848T>C, p.Ile283Thr (NM_001282224.2); short protein forms I283T.
Identifiers: ClinVar variation 4789436 (VCV004789436.1).